The following is an entry in ClinVar:

NM_001673.5(ASNS):c.844C>T (p.Pro282Ser)

Genes: ASNS (asparagine synthetase (glutamine-hydrolyzing); minus strand), CZ1P-ASNS (CZ1P-ASNS readthrough; minus strand). Cytogenetic location: 7q21.3.
Variant type: single nucleotide variant.
Coding change: c.844C>T on transcript NM_001673.5 (MANE Select); coding-DNA position 844, C replaced by T.
Protein change: p.Pro282Ser; replaces proline 282 with serine.
Molecular consequence: missense variant. On other transcripts: non-coding transcript variant (1).
Genome position (GRCh38, 1-based): chr7:97,858,337, G>A on the plus strand (C>T on the coding strand, the complement: ASNS is on the minus strand). VCF-style: chr7-97858337-G-A. GRCh37 (hg19) VCF-style: chr7-97487649-G-A.
Other names: c.781C>T, p.Pro261Ser (NM_001178075.2); c.595C>T, p.Pro199Ser (NM_001178076.2, NM_001178077.1); c.844C>T, p.Pro282Ser (NM_001352496.2, NM_133436.3, NM_183356.4); short protein forms P199S, P261S, P282S.
Identifiers: ClinVar variation 2151812 (VCV002151812.2), dbSNP rs1343428756, ClinGen allele CA368267787.

ClinVar aggregate classification (germline): Uncertain significance. Review status: criteria provided, multiple submitters, no conflicts (2 of 4 stars). 2 submissions from 2 submitters: Uncertain significance (2). Last evaluated 2024-09-02.

Conditions:
Inborn genetic diseases. Identifiers: MedGen C0950123, MeSH D030342.

Allele frequency attached by ClinVar (database versions not stated): gnomAD 0.00001; gnomAD exomes 0.00002.

Submissions (2):

Ambry Genetics
Classification: Uncertain significance for Inborn genetic diseases. Last evaluated: 2024-09-02. Review status: criteria provided, single submitter. Criteria: Ambry Variant Classification Scheme 2023. Collection method: clinical testing. Allele origin: germline.

Labcorp Genetics (formerly Invitae), Labcorp
Classification: Uncertain significance. Last evaluated: 2022-08-09. Review status: criteria provided, single submitter. Criteria: Invitae Variant Classification Sherloc (09022015). Collection method: clinical testing. Allele origin: germline.
Comment: This sequence change replaces proline, which is neutral and non-polar, with serine, which is neutral and polar, at codon 282 of the ASNS protein (p.Pro282Ser). This variant is not present in population databases (gnomAD no frequency). This variant has not been reported in the literature in individuals affected with ASNS-related conditions. Algorithms developed to predict the effect of missense changes on protein structure and function (SIFT, PolyPhen-2, Align-GVGD) all suggest that this variant is likely to be tolerated. In summary, the available evidence is currently insufficient to determine the role of this variant in disease. Therefore, it has been classified as a Variant of Uncertain Significance.